The following is an entry in ClinVar:

NM_000685.5(AGTR1):c.-47-10770G>C

Gene: AGTR1 (angiotensin II receptor type 1; plus strand). Cytogenetic location: 3q24.
Variant type: single nucleotide variant.
Coding change: c.-47-10770G>C on transcript NM_000685.5 (MANE Select); 10770 bases into the intron before 47 bases upstream of the start codon, G replaced by C.
Molecular consequence: intron variant. On other transcripts: 5 prime UTR variant (3).
Genome position (GRCh38, 1-based): chr3:148,730,219, G>C. VCF-style: chr3-148730219-G-C. GRCh37 (hg19) VCF-style: chr3-148448006-G-C.
Other names: c.-66G>C (NM_004835.5, NM_031850.4); c.-223G>C (NM_032049.4); c.-47-10770G>C (NM_001382737.1, NM_001382736.1, NM_009585.4).
Identifiers: ClinVar variation 2036891 (VCV002036891.4), dbSNP rs981225093, ClinGen allele CA355009520.

ClinVar aggregate classification (germline): Uncertain significance (1 of 4 stars; one submission).

Submission:

Labcorp Genetics (formerly Invitae), Labcorp
Classification: Uncertain significance. Last evaluated: 2025-06-12. Review status: criteria provided, single submitter. Criteria: Invitae Variant Classification Sherloc (09022015). Collection method: clinical testing. Allele origin: germline.
Comment: This sequence change replaces alanine, which is neutral and non-polar, with proline, which is neutral and non-polar, at codon 14 of the AGTR1 protein (p.Ala14Pro). This variant is not present in population databases (gnomAD no frequency). This variant has not been reported in the literature in individuals affected with AGTR1-related conditions. ClinVar contains an entry for this variant (Variation ID: 2036891). Experimental studies and prediction algorithms are not available or were not evaluated, and the functional significance of this variant is currently unknown. In summary, the available evidence is currently insufficient to determine the role of this variant in disease. Therefore, it has been classified as a Variant of Uncertain Significance.